The following is an entry in ClinVar:

ClinVar aggregate classification (germline): Uncertain significance (1 of 4 stars; one submission).

Conditions:
Cardiovascular phenotype. Identifiers: MedGen CN230736.

Submission:

Ambry Genetics
Classification: Uncertain significance for Cardiovascular phenotype. Last evaluated: 2025-06-05. Review status: criteria provided, single submitter. Criteria: Ambry Variant Classification Scheme 2023. Collection method: clinical testing. Allele origin: germline.
Comment: The c.1458C>T variant (also known as p.S486S), located in coding exon 17 of the TXNRD2 gene, results from a C to T substitution at nucleotide position 1458. This nucleotide substitution does not change the amino acid at codon 486. This nucleotide position is not well conserved in available vertebrate species. In silico splice site analysis predicts that this alteration may result in the creation or strengthening of a novel splice acceptor site. The evidence for this gene-disease relationship is limited; therefore, the clinical significance of this alteration is unclear.

NM_006440.5(TXNRD2):c.1458C>T (p.Ser486=)

Gene: TXNRD2 (thioredoxin reductase 2; minus strand). Cytogenetic location: 22q11.21.
Variant type: single nucleotide variant.
Coding change: c.1458C>T on transcript NM_006440.5 (MANE Select); coding-DNA position 1458, C replaced by T.
Protein change: p.Ser486=; no amino-acid change (serine 486 retained).
Molecular consequence: synonymous variant.
Genome position (GRCh38, 1-based): chr22:19,877,222, G>A on the plus strand (C>T on the coding strand, the complement: TXNRD2 is on the minus strand). VCF-style: chr22-19877222-G-A. GRCh37 (hg19) VCF-style: chr22-19864745-G-A.
Other names: c.1455C>T, p.Ser485= (NM_001352300.2); c.1368C>T, p.Ser456= (NM_001352301.2); c.1170C>T, p.Ser390= (NM_001352302.2).
Identifiers: ClinVar variation 3976399 (VCV003976399.1).
Genomic context (GRCh38, chr22:19,877,222, plus strand): 5'-CTTGACTACCTCCTCAGAGCATGTGGGATGGATACCCACGGTCCGCATCACCTGCGCATA[G>A]GAAGCCCCACACCTGCACATGGGGGATGGGGGAGGCAGGCGGGGTCAGCACAGGGAGGGG-3'
Protein context (NP_006431.2, residues 476-496): GFALGIKCGA[Ser486=]YAQVMRTVGI